The following is an entry in ClinVar:

ClinVar aggregate classification (germline): Conflicting classifications of pathogenicity. Review status: criteria provided, conflicting classifications (1 of 4 stars). 4 submissions from 4 submitters: Uncertain significance (1); Likely benign (3). Last evaluated 2025-09-10.

Conditions:
Leukocyte adhesion deficiency 1 (LAD1). Also called: LEUKOCYTE ADHESION DEFICIENCY, TYPE I; LAD 1; Lymphocyte function-associated antigen 1 immunodeficiency; LFA 1 immunodeficiency. Identifiers: Orphanet 2968, Orphanet 99842, MedGen C0398738, MONDO:0007293, OMIM 116920.

Allele frequency attached by ClinVar (database versions not stated): ESP Exome Variant Server 0.00015; TOPMed 0.00018; gnomAD 0.00024.
gnomAD v4.1: 308 of 1,613,412 alleles (0.019%); highest among the groups gnomAD compares: Middle Eastern, 0.016%; no homozygotes.

Submissions (4):

Labcorp Genetics (formerly Invitae), Labcorp
Classification: Likely benign for Leukocyte adhesion deficiency 1. Last evaluated: 2025-09-10. Review status: criteria provided, single submitter. Criteria: Invitae Variant Classification Sherloc (09022015). Collection method: clinical testing. Allele origin: germline.

Mayo Clinic Laboratories, Mayo Clinic
Classification: Likely benign. Last evaluated: 2024-12-23. Review status: criteria provided, single submitter. Criteria: ACMG Guidelines, 2015. Collection method: clinical testing. Allele origin: germline. Observed: 1 variant allele.
Comment: BS1, BP4, BP7

Blueprint Genetics
Classification: Likely benign. Last evaluated: 2024-08-08. Review status: criteria provided, single submitter. Criteria: ACMG Guidelines, 2015. Collection method: clinical testing. Allele origin: germline.

Illumina Laboratory Services, Illumina
Classification: Uncertain significance for Leukocyte adhesion deficiency 1. Last evaluated: 2018-01-13. Review status: criteria provided, single submitter. Criteria: ICSL Variant Classification Criteria 13 December 2019. Collection method: clinical testing. Allele origin: germline.

NM_000211.5(ITGB2):c.1575C>T (p.Pro525=)

Gene: ITGB2 (integrin subunit beta 2; minus strand). Cytogenetic location: 21q22.3.
Variant type: single nucleotide variant.
Coding change: c.1575C>T on transcript NM_000211.5 (MANE Select); coding-DNA position 1575, C replaced by T.
Protein change: p.Pro525=; no amino-acid change (proline 525 retained).
Molecular consequence: synonymous variant.
Genome position (GRCh38, 1-based): chr21:44,890,060, G>A on the plus strand (C>T on the coding strand, the complement: ITGB2 is on the minus strand). VCF-style: chr21-44890060-G-A. GRCh37 (hg19) VCF-style: chr21-46309975-G-A.
Other names: p.Pro525=; c.1575C>T, p.Pro525= (NM_001127491.3); c.1368C>T, p.Pro456= (NM_001303238.2); c.1575C>T (LRG_76t1).
Identifiers: ClinVar variation 340151 (VCV000340151.18), dbSNP rs200615045, ClinGen allele CA10062780.